The following is an entry in ClinVar:

ClinVar aggregate classification (germline): Uncertain significance. Review status: criteria provided, multiple submitters, no conflicts (2 of 4 stars). 2 submissions from 2 submitters: Uncertain significance (2). Last evaluated 2025-08-20.

gnomAD v4.1: 62 of 1,581,578 alleles (0.0039%); highest among the groups gnomAD compares: Non-Finnish European, 0.0048%; no homozygotes.

Submissions (2):

Ambry Genetics
Classification: Uncertain significance. Last evaluated: 2025-08-20. Review status: criteria provided, single submitter. Criteria: Ambry Variant Classification Scheme 2023. Collection method: clinical testing. Allele origin: germline.

CeGaT Center for Human Genetics Tuebingen
Classification: Uncertain significance. Last evaluated: 2025-03-01. Review status: criteria provided, single submitter. Criteria: CeGaT Center For Human Genetics Tuebingen Variant Classification Criteria Version 2. Collection method: clinical testing. Allele origin: germline. Affected: yes. Observed: 1 variant allele.
Comment: TRAPPC2L: PM2, PP3

NM_001318525.2(TRAPPC2L):c.23T>C (p.Ile8Thr)

Gene: TRAPPC2L (trafficking protein particle complex subunit 2L; plus strand). Cytogenetic location: 16q24.3.
Variant type: single nucleotide variant.
Coding change: c.23T>C on transcript NM_001318525.2 (MANE Select); coding-DNA position 23, T replaced by C.
Protein change: p.Ile8Thr; replaces isoleucine 8 with threonine.
Molecular consequence: missense variant. On other transcripts: 5 prime UTR variant (6), non-coding transcript variant (1).
Genome position (GRCh38, 1-based): chr16:88,857,173, T>C. VCF-style: chr16-88857173-T-C. GRCh37 (hg19) VCF-style: chr16-88923581-T-C.
Other names: c.23T>C, p.Ile8Thr (NM_001318524.2, NM_016209.5); c.-73T>C (NM_001318526.2); c.-387T>C (NM_001318527.2, NM_001318529.2, NM_001318532.2); c.-45T>C (NM_001318528.2, NM_001318530.2); c.23T>C (NM_016209.3); short protein forms I8T.
Identifiers: ClinVar variation 3778189 (VCV003778189.8).